The following is an entry in ClinVar:

NM_000051.4(ATM):c.8305del (p.Trp2769fs)

Genes: ATM (ATM serine/threonine kinase; plus strand), C11orf65 (chromosome 11 open reading frame 65; minus strand). Cytogenetic location: 11q22.3.
Variant type: Deletion.
Coding change: c.8305del on transcript NM_000051.4 (MANE Select); coding-DNA position 8305, one base deleted (T; older notation c.8305delT).
Protein change: p.Trp2769fs; shifts the reading frame from tryptophan 2769.
Molecular consequence: frameshift variant. On other transcripts: intron variant (2).
Genome position (GRCh38, 1-based): chr11:108,343,258, T deleted. VCF-style (leftmost placement, unchanged base first): chr11-108343257-AT-A. GRCh37 (hg19) VCF-style: chr11-108213984-AT-A.
Other names: c.8305del, p.Trp2769fs (NM_001351834.2); c.641-34187del (NM_001330368.2); c.695-7966del (NM_001351110.2); c.8305del (NM_000051.3); short protein forms W2769fs.
Identifiers: ClinVar variation 2008065 (VCV002008065.8), dbSNP rs2547415915, ClinGen allele CA2580083167.
Genomic context (GRCh38, chr11:108,343,257, plus strand): 5'-AAAGGTATTTAATCTGTAACTCCAGGTGGTTCCCCTCTCTCAGCGAAGTGGTGTTCTTGA[AT>A]GGTGCACAGGAACTGTCCCCATTGGTGAATTTCTTGTTAACAATGAAGATGGTGCTCATA-3'

ClinVar aggregate classification (germline): Pathogenic/Likely pathogenic. Review status: criteria provided, multiple submitters, no conflicts (2 of 4 stars). 6 submissions from 6 submitters: Pathogenic (3); Likely pathogenic (3). Last evaluated 2026-01-06.

Conditions:
Familial cancer of breast. Also called: BREAST CANCER, FAMILIAL; Hereditary breast cancer; hereditary breast carcinoma. Identifiers: Orphanet 227535, MedGen C0346153, MONDO:0016419, OMIM 114480. Disease mechanism: loss of function.
Hereditary cancer-predisposing syndrome. Also called: Tumor predisposition; Hereditary Cancer Syndrome; Hereditary neoplastic syndrome; Neoplastic Syndromes, Hereditary. Identifiers: Orphanet 140162, MedGen C0027672, MeSH D009386, MONDO:0015356.
Ataxia-telangiectasia syndrome (AT). Also called: Ataxia-telangiectasia, complementation group D; AT, COMPLEMENTATION GROUP C; ATAXIA-TELANGIECTASIA, COMPLEMENTATION GROUP A; ATAXIA-TELANGIECTASIA, FRESNO VARIANT; Ataxia-telangiectasia, complementation group E; LOUIS-BAR SYNDROME. Identifiers: Orphanet 100, MedGen C0004135, MONDO:0008840, OMIM 208900.

Submissions (6):

Natera, Inc.
Classification: Likely pathogenic for Ataxia-telangiectasia. Last evaluated: 2026-01-06. Review status: criteria provided, single submitter. Criteria: Natera Variant Classification Schema (03/2026). Collection method: clinical testing. Allele origin: germline.
Comment: The c.8305del variant in ATM is a frameshift variant predicted to shift the reading frame beginning at codon 2769 and leads to a stop codon 37 codons downstream. This variant is expected to result in nonsense mediated decay, truncation, or a dysfunctional protein product. This variant is rare in the general population with a frequency below the threshold expected for the associated phenotype(s). Given the available evidence, this variant is classified as Likely Pathogenic.

Myriad Genetics, Inc.
Classification: Pathogenic for Familial cancer of breast. Last evaluated: 2025-07-22. Review status: criteria provided, single submitter. Criteria: Myriad Autosomal Dominant, Autosomal Recessive and X-Linked Classification Criteria (2023). Collection method: clinical testing. Allele origin: unknown.
Comment: This variant is considered pathogenic. This variant creates a frameshift predicted to result in premature protein truncation.

Labcorp Genetics (formerly Invitae), Labcorp
Classification: Pathogenic for Ataxia-telangiectasia syndrome. Last evaluated: 2024-12-04. Review status: criteria provided, single submitter. Criteria: Invitae Variant Classification Sherloc (09022015). Collection method: clinical testing. Allele origin: germline.
Comment: This sequence change creates a premature translational stop signal (p.Trp2769Glyfs*37) in the ATM gene. It is expected to result in an absent or disrupted protein product. Loss-of-function variants in ATM are known to be pathogenic (PMID: 23807571, 25614872). This variant is not present in population databases (gnomAD no frequency). This variant has not been reported in the literature in individuals affected with ATM-related conditions. ClinVar contains an entry for this variant (Variation ID: 2008065). For these reasons, this variant has been classified as Pathogenic.

Ambry Genetics
Classification: Pathogenic for Hereditary cancer-predisposing syndrome. Last evaluated: 2024-02-28. Review status: criteria provided, single submitter. Criteria: Ambry Variant Classification Scheme 2023. Collection method: clinical testing. Allele origin: germline.
Comment: The c.8305delT pathogenic mutation, located in coding exon 56 of the ATM gene, results from a deletion of one nucleotide at nucleotide position 8305, causing a translational frameshift with a predicted alternate stop codon (p.W2769Gfs*37). This alteration is expected to result in loss of function by premature protein truncation or nonsense-mediated mRNA decay. This variant is considered to be rare based on population cohorts in the Genome Aggregation Database (gnomAD). As such, this alteration is interpreted as a disease-causing mutation.

Fulgent Genetics
Classification: Likely pathogenic for Familial cancer of breast; Ataxia-telangiectasia syndrome. Last evaluated: 2024-01-23. Review status: criteria provided, single submitter. Criteria: ACMG Guidelines, 2015. Collection method: clinical testing. Allele origin: germline.

Baylor Genetics
Classification: Likely pathogenic for Familial cancer of breast. Last evaluated: 2021-11-11. Review status: criteria provided, single submitter. Criteria: ACMG Guidelines, 2015. Collection method: clinical testing. Allele origin: unknown.

Literature cited by the submitters: PubMed 23807571 (cited by Labcorp Genetics (formerly Invitae), Labcorp); PubMed 25614872 (cited by Labcorp Genetics (formerly Invitae), Labcorp).